The following is an entry in ClinVar:

NM_206933.4(USH2A):c.13270T>C (p.Cys4424Arg)

Gene: USH2A (usherin; minus strand). Cytogenetic location: 1q41.
Variant type: single nucleotide variant.
Coding change: c.13270T>C on transcript NM_206933.4 (MANE Select); coding-DNA position 13270, T replaced by C.
Protein change: p.Cys4424Arg; replaces cysteine 4424 with arginine.
Molecular consequence: missense variant.
Genome position (GRCh38, 1-based): chr1:215,674,641, A>G on the plus strand (T>C on the coding strand, the complement: USH2A is on the minus strand). VCF-style: chr1-215674641-A-G. GRCh37 (hg19) VCF-style: chr1-215847983-A-G.
Other names: short protein forms C4424R.
Identifiers: ClinVar variation 4062894 (VCV004062894.2).

ClinVar aggregate classification (germline): Likely pathogenic (1 of 4 stars; one submission).

Conditions:
Usher syndrome type 2A. Also called: RETINAL DISEASE IN USHER SYNDROME TYPE IIA, MODIFIER OF; USHER SYNDROME, TYPE IIA. Identifiers: Orphanet 231178, Orphanet 886, MedGen C1848634, MONDO:0010169, OMIM 276901.

Submission:

Natera, Inc.
Classification: Likely pathogenic for Usher syndrome type 2A. Last evaluated: 2025-09-12. Review status: criteria provided, single submitter. Criteria: Natera Variant Classification Schema (03/2026). Collection method: clinical testing. Allele origin: germline.
Comment: The c.13270T>C variant in USH2A is a missense variant predicted to cause substitution of cysteine to arginine at amino acid 4424. This variant is rare in the general population with a frequency below the threshold expected for the associated phenotype(s). This variant has been observed in one or more individuals affected with the associated recessive disease, as either homozygous or compound heterozygous with a second variant (PMID: 33124170, 29625443). Computational prediction algorithms indicate this variant is likely to affect gene or protein function. Given the available evidence, this variant is classified as Likely Pathogenic.

Literature cited by the submitters: PubMed 33124170; PubMed 29625443.